The following is an entry in ClinVar:

ClinVar aggregate classification (germline): Uncertain significance (1 of 4 stars; one submission).

Conditions:
Multiple congenital anomalies-hypotonia-seizures syndrome 1 (MCAHS1). Also called: PIGN-CDG; Congenital disorder of glycosylation due to PIGN deficiency; GLYCOSYLPHOSPHATIDYLINOSITOL BIOSYNTHESIS DEFECT 3. Identifiers: Orphanet 280633, MedGen C3279775, MONDO:0013563, OMIM 614080.

Allele frequency attached by ClinVar (database versions not stated): gnomAD exomes below 0.00001.
gnomAD v4.1: 1 of 1,608,428 alleles (0.000062%); highest among the groups gnomAD compares: African/African-American, 0.0013%; no homozygotes.

Submission:

Labcorp Genetics (formerly Invitae), Labcorp
Classification: Uncertain significance for Multiple congenital anomalies-hypotonia-seizures syndrome 1. Last evaluated: 2022-09-27. Review status: criteria provided, single submitter. Criteria: Invitae Variant Classification Sherloc (09022015). Collection method: clinical testing. Allele origin: germline.
Comment: Algorithms developed to predict the effect of sequence changes on RNA splicing suggest that this variant is not likely to affect RNA splicing. This variant has not been reported in the literature in individuals affected with PIGN-related conditions. This variant is not present in population databases (gnomAD no frequency). This sequence change affects codon 74 of the PIGN mRNA. It is a 'silent' change, meaning that it does not change the encoded amino acid sequence of the PIGN protein. It affects a nucleotide within the consensus splice site. In summary, the available evidence is currently insufficient to determine the role of this variant in disease. Therefore, it has been classified as a Variant of Uncertain Significance.

NM_176787.5(PIGN):c.222G>A (p.Arg74=)

Gene: PIGN (phosphatidylinositol glycan anchor biosynthesis class N; minus strand). Cytogenetic location: 18q21.33.
Variant type: single nucleotide variant.
Coding change: c.222G>A on transcript NM_176787.5 (MANE Select); coding-DNA position 222, G replaced by A.
Protein change: p.Arg74=; no amino-acid change (arginine 74 retained).
Molecular consequence: synonymous variant.
Genome position (GRCh38, 1-based): chr18:62,157,808, C>T on the plus strand (G>A on the coding strand, the complement: PIGN is on the minus strand). VCF-style: chr18-62157808-C-T. GRCh37 (hg19) VCF-style: chr18-59825041-C-T.
Other names: c.222G>A, p.Arg74= (NM_012327.6).
Identifiers: ClinVar variation 2022870 (VCV002022870.4), dbSNP rs2514284583, ClinGen allele CA504068648.